The following is an entry in ClinVar:

ClinVar aggregate classification (germline): Uncertain significance (1 of 4 stars; one submission).

Submission:

Clinical Genomics Laboratory, Laboratory for Precision Diagnostics, University of Washington
Classification: Uncertain significance. Last evaluated: 2022-10-10. Review status: criteria provided, single submitter. Criteria: ACMG/ClinGen CNV Guidelines, 2019. Collection method: clinical testing. Allele origin: unknown. Affected: yes. Observed: 1 variant allele.
Comment: This two-copy gain in Xq28 is approximately 700 Kb in size and includes multiple protein-coding genes. Note that this gain is proximal to, and does not overlap, the Xq28 duplication syndrome region that is Int22h1/Int22h2-mediated. This entire region of copy gain has not been observed in control populations (Database of Genomic Variants). Similar duplications, or somewhat smaller duplications within this region of gain, have been seen in XX and XY individuals with varied clinical findings (VCV000564923.1, VCV000147747.2, VCV000560083.3, VCV000688189.3, VCV000148237.2, VCV000816407.1, VCV000694602.2, DECIPHER: 3412105, 255117). These copy gains have been classified as likely benign or of uncertain significance, and one has been classified as likely pathogenic. Inheritance of these gains was maternal or unknown. One of these individuals (sex chromosome complement not specified) has a total of four copies of this region, and the gain was maternally inherited.

GRCh38/hg38 Xq28(chrX:149687545-150389151)x3

Genes: EOLA2 (endothelium and lymphocyte associated ASCH domain 2; minus strand), EOLA2-DT (EOLA2 divergent transcript; plus strand), HSFX1 (heat shock transcription factor family, X-linked 1; plus strand), HSFX4 (heat shock transcription factor family, X-linked member 4; plus strand), LINC00850 (long intergenic non-protein coding RNA 850; plus strand) and 14 more. Cytogenetic location: Xq28.
Variant type: copy number gain.
Change: copy number 3 of chrX:149,687,545-150,389,151 (701.6 kb, GRCh38 coordinates, 1-based), cytogenetic band Xq28.
Identifiers: ClinVar variation 4852085 (VCV004852085.1).